The following is an entry in ClinVar:

ClinVar aggregate classification (germline): Uncertain significance (1 of 4 stars; one submission).

Conditions:
Aortic aneurysm, familial thoracic 7 (AAT7). Also called: AORTIC DISSECTION, FAMILIAL, WITH OR WITHOUT AORTIC ANEURYSM. Identifiers: MedGen C3151077, MONDO:0013418, OMIM 613780.

Submission:

Labcorp Genetics (formerly Invitae), Labcorp
Classification: Uncertain significance for Aortic aneurysm, familial thoracic 7. Last evaluated: 2024-08-11. Review status: criteria provided, single submitter. Criteria: Invitae Variant Classification Sherloc (09022015). Collection method: clinical testing. Allele origin: germline.
Comment: This sequence change replaces aspartic acid, which is acidic and polar, with asparagine, which is neutral and polar, at codon 1440 of the MYLK protein (p.Asp1440Asn). Information on the frequency of this variant in the gnomAD database is not available, as this variant may be reported differently in the database. This variant has not been reported in the literature in individuals affected with MYLK-related conditions. Experimental studies and prediction algorithms are not available or were not evaluated, and the functional significance of this variant is currently unknown. In summary, the available evidence is currently insufficient to determine the role of this variant in disease. Therefore, it has been classified as a Variant of Uncertain Significance.

NM_053025.4(MYLK):c.4317_4318inv (p.Asp1440Asn)

Gene: MYLK (myosin light chain kinase; minus strand). Cytogenetic location: 3q21.1.
Variant type: Inversion.
Coding change: c.4317_4318inv on transcript NM_053025.4 (MANE Select).
Protein change: p.Asp1440Asn; replaces aspartic acid 1440 with asparagine.
Molecular consequence: missense variant.
Genome position: GRCh38 VCF-style: chr3-123649165-CA-TG. GRCh37 (hg19) VCF-style: chr3-123368012-CA-TG.
Other names: c.3789_3790inv, p.Asp1264Asn (NM_001321309.2); c.4110_4111inv, p.Asp1371Asn (NM_053026.4, NM_053028.4); c.4317_4318inv, p.Asp1440Asn (NM_053027.4); short protein forms D1264N, D1371N, D1440N.
Identifiers: ClinVar variation 3662021 (VCV003662021.2).
Genomic context (GRCh38, chr3:123,649,165, plus strand): 5'-CCCCACTCAGCCCCCTCCACCCCAAGAGCCTGACCCGAAGACAGGGGCTGCACTCACCAT[CA>TG]TCTGACACCTCCACTTCATCCTTCGGCTCTGGGGGGGGCACAAGGAAGGACAGAGAGGAC-3'
Protein context (NP_444253.3, residues 1430-1450): EPKDEVEVSD[Asp1440Asn]DEKEPEVDYR